The following is an entry in ClinVar:

NM_001372044.2(SHANK3):c.1091T>A (p.Ile364Asn)

Gene: SHANK3 (SH3 and multiple ankyrin repeat domains 3; plus strand). Cytogenetic location: 22q13.33.
Variant type: single nucleotide variant.
Coding change: c.1091T>A on transcript NM_001372044.2 (MANE Select); coding-DNA position 1091, T replaced by A.
Protein change: p.Ile364Asn; replaces isoleucine 364 with asparagine.
Molecular consequence: missense variant.
Genome position (GRCh38, 1-based): chr22:50,679,409, T>A. VCF-style: chr22-50679409-T-A. GRCh37 (hg19) VCF-style: chr22-51117837-T-A.
Other names: short protein forms I364N.
Identifiers: ClinVar variation 4874814 (VCV004874814.2).
Genomic context (GRCh38, chr22:50,679,409, plus strand): 5'-TGCTGTTCTATGGGGCAGACATGGGGGCCCAGAACGCCTCGGGGAACACAGCCCTGCACA[T>A]CTGTGCCCTCTACAACCAGGTGCGACTGTGTGTCCTGCACATGCCTGCACCAGCGAGTGT-3'
Protein context (NP_001358973.1, residues 354-374): QNASGNTALH[Ile364Asn]CALYNQESCA

ClinVar aggregate classification (germline): Uncertain significance (1 of 4 stars; one submission).

Submission:

CeGaT Center for Human Genetics Tuebingen
Classification: Uncertain significance. Last evaluated: 2026-04-01. Review status: criteria provided, single submitter. Criteria: CeGaT Center For Human Genetics Tuebingen Variant Classification Criteria Version 2. Collection method: clinical testing. Allele origin: germline. Affected: yes. Observed: 1 variant allele.
Comment: SHANK3: PM2